The following is an entry in ClinVar:

ClinVar aggregate classification (germline): Uncertain significance (1 of 4 stars; one submission).

Conditions:
Hereditary cancer-predisposing syndrome. Also called: Neoplastic Syndromes, Hereditary; Tumor predisposition; Hereditary neoplastic syndrome; Hereditary Cancer Syndrome. Identifiers: Orphanet 140162, MedGen C0027672, MeSH D009386, MONDO:0015356.

Submission:

Ambry Genetics
Classification: Uncertain significance for Hereditary cancer-predisposing syndrome. Last evaluated: 2026-07-06. Review status: criteria provided, single submitter. Criteria: Ambry Variant Classification Scheme 2023. Collection method: clinical testing. Allele origin: germline.
Comment: The p.I185M variant (also known as c.555A>G), located in coding exon 6 of the RB1 gene, results from an A to G substitution at nucleotide position 555. The isoleucine at codon 185 is replaced by methionine, an amino acid with highly similar properties. This amino acid position is conserved. In addition, this alteration is predicted to be tolerated by in silico analysis. Based on the available evidence, the clinical significance of this variant remains unclear.

NM_000321.3(RB1):c.555A>G (p.Ile185Met)

Gene: RB1 (RB transcriptional corepressor 1; plus strand). Cytogenetic location: 13q14.2.
Variant type: single nucleotide variant.
Coding change: c.555A>G on transcript NM_000321.3 (MANE Select); coding-DNA position 555, A replaced by G.
Protein change: p.Ile185Met; replaces isoleucine 185 with methionine.
Molecular consequence: missense variant.
Genome position (GRCh38, 1-based): chr13:48,348,971, A>G. VCF-style: chr13-48348971-A-G. GRCh37 (hg19) VCF-style: chr13-48923107-A-G.
Other names: c.555A>G, p.Ile185Met (NM_001407165.1, NM_001407166.1); short protein forms I185M.
Identifiers: ClinVar variation 5027937 (VCV005027937.1).
Genomic context (GRCh38, chr13:48,348,971, plus strand): 5'-GATACATTTTTCCTGTTTTTTTTCTGCTTTCTATTTGTTTAATAGGATATCTACTGAAAT[A>G]AATTCTGCATTGGTGCTAAAAGTTTCTTGGATCACATTTTTATTAGCTAAAGGTAAGTTC-3'
Protein context (NP_000312.2, residues 175-195): TQPSSSISTE[Ile185Met]NSALVLKVSW